The following is an entry in ClinVar:

ClinVar aggregate classification (germline): Uncertain significance. Review status: criteria provided, multiple submitters, no conflicts (2 of 4 stars). 2 submissions from 2 submitters: Uncertain significance (2). Last evaluated 2022-12-19.

Allele frequency attached by ClinVar (database versions not stated): gnomAD 0.00001; TOPMed 0.00002; gnomAD exomes 0.00007.
gnomAD v4.1: 99 of 1,614,036 alleles (0.0061%); highest among the groups gnomAD compares: Non-Finnish European, 0.0083%; no homozygotes.

Submissions (2):

Blueprint Genetics
Classification: Uncertain significance. Last evaluated: 2022-12-19. Review status: criteria provided, single submitter. Criteria: ACMG Guidelines, 2015. Collection method: clinical testing. Allele origin: germline.

Labcorp Genetics (formerly Invitae), Labcorp
Classification: Uncertain significance. Last evaluated: 2022-06-22. Review status: criteria provided, single submitter. Criteria: Invitae Variant Classification Sherloc (09022015). Collection method: clinical testing. Allele origin: germline.
Comment: This sequence change replaces arginine, which is basic and polar, with glutamine, which is neutral and polar, at codon 229 of the TEAD1 protein (p.Arg229Gln). This variant is present in population databases (no rsID available, gnomAD 0.0009%). This variant has not been reported in the literature in individuals affected with TEAD1-related conditions. Algorithms developed to predict the effect of missense changes on protein structure and function (SIFT, PolyPhen-2, Align-GVGD) all suggest that this variant is likely to be tolerated. In summary, the available evidence is currently insufficient to determine the role of this variant in disease. Therefore, it has been classified as a Variant of Uncertain Significance.

NM_021961.6(TEAD1):c.686G>A (p.Arg229Gln)

Gene: TEAD1 (TEA domain transcription factor 1; plus strand). Cytogenetic location: 11p15.3.
Variant type: single nucleotide variant.
Coding change: c.686G>A on transcript NM_021961.6 (MANE Select); coding-DNA position 686, G replaced by A.
Protein change: p.Arg229Gln; replaces arginine 229 with glutamine.
Molecular consequence: missense variant.
Genome position (GRCh38, 1-based): chr11:12,883,112, G>A. VCF-style: chr11-12883112-G-A. GRCh37 (hg19) VCF-style: chr11-12904659-G-A.
Other names: short protein forms R229Q.
Identifiers: ClinVar variation 1965626 (VCV001965626.6), dbSNP rs1003109162, ClinGen allele CA217827361.
Genomic context (GRCh38, chr11:12,883,112, plus strand): 5'-GCTCCATTGGCACAACCAAGCTTCGCCTGGTGGAATTTTCAGCTTTTCTCGAGCAGCAGC[G>A]AGACCCAGACTCGGTGAGTGTGCCCAGAGAGGTGTGTCTTGAATCCAGGATTTCTTTCCC-3'
Protein context (NP_068780.2, residues 219-239): VEFSAFLEQQ[Arg229Gln]DPDSYNKHLF